The following is an entry in ClinVar:

ClinVar aggregate classification (germline): Likely benign (0 of 4 stars; one submission).

Conditions:
PTPRT-related disorder. Also called: PTPRT-related condition.

Allele frequency attached by ClinVar (database versions not stated): 1000 Genomes Project 30x 0.00016; 1000 Genomes Project 0.00020; ExAC 0.00115; ESP Exome Variant Server 0.00164.
gnomAD v4.1: 3,130 of 1,614,042 alleles (0.19%); highest among the groups gnomAD compares: Admixed American, 0.35%; 11 homozygotes.

Submission:

PreventionGenetics, part of Exact Sciences
Classification: Likely benign for PTPRT-related condition. Last evaluated: 2019-10-30. Review status: no assertion criteria provided. Collection method: clinical testing. Allele origin: germline.
Comment: This variant is classified as likely benign based on ACMG/AMP sequence variant interpretation guidelines (Richards et al. 2015 PMID: 25741868, with internal and published modifications).

NM_007050.6(PTPRT):c.1584G>A (p.Ser528=)

Gene: PTPRT (protein tyrosine phosphatase receptor type T; minus strand). Cytogenetic location: 20q12.
Variant type: single nucleotide variant.
Coding change: c.1584G>A on transcript NM_007050.6 (MANE Select); coding-DNA position 1584, G replaced by A.
Protein change: p.Ser528=; no amino-acid change (serine 528 retained).
Molecular consequence: synonymous variant.
Genome position (GRCh38, 1-based): chr20:42,352,262, C>T on the plus strand (G>A on the coding strand, the complement: PTPRT is on the minus strand). VCF-style: chr20-42352262-C-T. GRCh37 (hg19) VCF-style: chr20-40980902-C-T.
Other names: c.1584G>A, p.Ser528= (NM_001394024.1, NM_001394025.1, NM_001394026.1 and 1 more transcripts).
Identifiers: ClinVar variation 3053559 (VCV003053559.2), dbSNP rs201153898, ClinGen allele CA9864506.